The following is an entry in ClinVar:

ClinVar aggregate classification (germline): Likely pathogenic (1 of 4 stars; one submission).

Conditions:
Microcephaly, normal intelligence and immunodeficiency (NBS). Also called: IMMUNODEFICIENCY, MICROCEPHALY, AND CHROMOSOMAL INSTABILITY; SEEMANOVA SYNDROME II; Nijmegen breakage syndrome; Microcephaly with normal intelligence immunodeficiency and lymphoreticular malignancies; Nonsyndromal microcephaly autosomal recessive with normal intelligence; Seemanova syndrome 2. Identifiers: Orphanet 647, MedGen C0398791, MONDO:0009623, OMIM 251260.

Submission:

Labcorp Genetics (formerly Invitae), Labcorp
Classification: Likely pathogenic for Microcephaly, normal intelligence and immunodeficiency. Last evaluated: 2019-10-22. Review status: criteria provided, single submitter. Criteria: Invitae Variant Classification Sherloc (09022015). Collection method: clinical testing. Allele origin: germline.
Comment: This variant is a gross deletion of the genomic region encompassing exons 15-16 of the NBN gene. The 5' boundary is likely confined to intron 14. The 3' end of this event is unknown as it extends through the termination codon beyond the assayed region for this gene and may encompass additional genes. While this deletion is not anticipated to result in nonsense mediated decay, it is expected to create a truncated protein product or disrupt mRNA translation. Deletions of exons 15-16 have been reported in individuals affected with breast cancer and an individual with a family history of breast, ovarian, pancreatic and colon cancer (PMID: 26681312, Invitae). Additionally, a truncating variant in exon 14 of NBN that deletes the amino acids encoded by exons 15 and 16 has been observed in the literature in individuals affected with prostate, bladder and breast cancer and is known to be pathogenic (PMID: 22864661, 26681312). This deletion also removes the ATM interaction domain (amino acids 734-754) of the NBN protein (PMID: 24894818, 21035407), which is important for activating ATM (PMID: 15964794, 15048089). In summary, the currently available evidence indicates that the variant is pathogenic, but additional data are needed to prove that conclusively. Therefore, this variant has been classified as Likely Pathogenic.

Literature cited by the submitters: PubMed 21035407; PubMed 15048089; PubMed 26681312; PubMed 24894818; PubMed 22864661; PubMed 15964794.

NC_000008.11:g.(?_89935576)_(89937081_?)del

Gene: NBN (nibrin; minus strand). Cytogenetic location: 8q21.3.
Variant type: Deletion.
Identifiers: ClinVar variation 461485 (VCV000461485.2).